The following is an entry in ClinVar:

ClinVar aggregate classification (germline): Benign. Review status: criteria provided, multiple submitters, no conflicts (2 of 4 stars). 2 submissions from 2 submitters: Benign (2). Last evaluated 2018-06-16.

Allele frequency attached by ClinVar (database versions not stated): gnomAD exomes 0.03816; gnomAD 0.08122 and 0.08508; TOPMed 0.09158; 1000 Genomes Project 30x 0.15568; 1000 Genomes Project 0.16014.
gnomAD v4.1: 69,322 of 1,600,030 alleles (4.3%); highest among the groups gnomAD compares: East Asian, 23%; 4,924 homozygotes.

Submissions (2):

GeneDx
Classification: Benign. Last evaluated: 2018-06-16. Review status: criteria provided, single submitter. Criteria: GeneDx Variant Classification (06012015). Collection method: clinical testing. Allele origin: germline. Affected: yes.
Comment: This variant is considered likely benign or benign based on one or more of the following criteria: it is a conservative change, it occurs at a poorly conserved position in the protein, it is predicted to be benign by multiple in silico algorithms, and/or has population frequency not consistent with disease.

Breakthrough Genomics
Classification: Benign. Review status: criteria provided, single submitter. Criteria: ACMG Guidelines, 2015. Collection method: not provided. Allele origin: germline. Inheritance: Autosomal dominant inheritance. Affected: yes.

NM_002382.5(MAX):c.295+181G>A

Gene: MAX (MYC associated factor X; minus strand). Cytogenetic location: 14q23.3.
Variant type: single nucleotide variant.
Coding change: c.295+181G>A on transcript NM_002382.5 (MANE Select); 181 bases into the intron after coding-DNA position 295, G replaced by A.
Molecular consequence: intron variant.
Genome position (GRCh38, 1-based): chr14:65,077,732, C>T on the plus strand (G>A on the coding strand, the complement: MAX is on the minus strand). VCF-style: chr14-65077732-C-T. GRCh37 (hg19) VCF-style: chr14-65544450-C-T.
Other names: c.144+15976G>A (NM_001271069.2); c.171+15976G>A (NM_197957.4); c.268+181G>A (NM_145112.3); c.21+181G>A (NM_001320415.2); c.295+181G>A (NM_145113.3).
Identifiers: ClinVar variation 676931 (VCV000676931.2), dbSNP rs2277500, ClinGen allele CA14041986.